The following is an entry in ClinVar:

ClinVar aggregate classification (germline): Pathogenic/Likely pathogenic. Review status: criteria provided, multiple submitters, no conflicts (2 of 4 stars). 3 submissions from 3 submitters: Pathogenic (1); Likely pathogenic (2). Last evaluated 2026-01-19.

Conditions:
Walker-Warburg congenital muscular dystrophy. Also called: Muscular dystrophy-dystroglycanopathy, type A; Walker-Warburg syndrome. Identifiers: Orphanet 899, MedGen C0265221, MONDO:0000171.
Autosomal recessive limb-girdle muscular dystrophy type 2I. Also called: MUSCULAR DYSTROPHY-DYSTROGLYCANOPATHY, LIMB-GIRDLE, FRKP-RELATED; MUSCULAR DYSTROPHY, LIMB-GIRDLE, TYPE 2I; MUSCULAR DYSTROPHY-DYSTROGLYCANOPATHY (LIMB-GIRDLE), TYPE C, 5. Identifiers: Orphanet 34515, MedGen C1846672, MONDO:0011787, OMIM 607155.
Muscular dystrophy-dystroglycanopathy type B5 (MDDGB5). Also called: MUSCULAR DYSTROPHY, CONGENITAL, 1C; MUSCULAR DYSTROPHY, CONGENITAL, FKRP-RELATED; MUSCULAR DYSTROPHY-DYSTROGLYCANOPATHY (CONGENITAL WITH OR WITHOUT IMPAIRED INTELLECTUAL DEVELOPMENT), TYPE B, 5. Identifiers: MedGen C1847759, MONDO:0011688, OMIM 606612.
Muscular dystrophy-dystroglycanopathy (congenital with brain and eye anomalies), type A5. Also called: MUSCULAR DYSTROPHY-DYSTROGLYCANOPATHY (CONGENITAL WITH BRAIN AND EYE ANOMALIES), TYPE A, 5; WALKER-WARBURG SYNDROME OR MUSCLE-EYE-BRAIN DISEASE, FKRP-RELATED. Identifiers: Orphanet 588, Orphanet 899, MedGen C3150413, MONDO:0013157, OMIM 613153.

Submissions (3):

Labcorp Genetics (formerly Invitae), Labcorp
Classification: Pathogenic for Walker-Warburg congenital muscular dystrophy. Last evaluated: 2026-01-19. Review status: criteria provided, single submitter. Criteria: Invitae Variant Classification Sherloc (09022015). Collection method: clinical testing. Allele origin: germline.
Comment: This sequence change creates a premature translational stop signal (p.Arg404Profs*60) in the FKRP gene. While this is not anticipated to result in nonsense mediated decay, it is expected to disrupt the last 92 amino acid(s) of the FKRP protein. This variant is not present in population databases (gnomAD no frequency). This variant has not been reported in the literature in individuals affected with FKRP-related conditions. ClinVar contains an entry for this variant (Variation ID: 2913953). This variant disrupts a region of the FKRP protein in which other variant(s) (p.Il3478Thr) have been determined to be pathogenic (PMID: 16476814, 18639457, 19299310). This suggests that this is a clinically significant region of the protein, and that variants that disrupt it are likely to be disease-causing. For these reasons, this variant has been classified as Pathogenic.

Fulgent Genetics
Classification: Likely pathogenic for Muscular dystrophy-dystroglycanopathy type B5; Autosomal recessive limb-girdle muscular dystrophy type 2I; Muscular dystrophy-dystroglycanopathy (congenital with brain and eye anomalies), type A5. Last evaluated: 2024-06-23. Review status: criteria provided, single submitter. Criteria: ACMG Guidelines, 2015. Collection method: clinical testing. Allele origin: germline.

Baylor Genetics
Classification: Likely pathogenic for Muscular dystrophy-dystroglycanopathy (congenital with brain and eye anomalies), type A5. Last evaluated: 2023-12-15. Review status: criteria provided, single submitter. Criteria: ACMG Guidelines, 2015. Collection method: clinical testing. Allele origin: unknown.

Literature cited by the submitters: PubMed 16476814 (cited by Labcorp Genetics (formerly Invitae), Labcorp); PubMed 18639457 (cited by Labcorp Genetics (formerly Invitae), Labcorp); PubMed 19299310 (cited by Labcorp Genetics (formerly Invitae), Labcorp).

NM_024301.5(FKRP):c.1208dup (p.Arg404fs)

Gene: FKRP (fukutin related protein; plus strand). Cytogenetic location: 19q13.32.
Variant type: Duplication.
Coding change: c.1208dup on transcript NM_024301.5 (MANE Select); coding-DNA position 1208, one base duplicated (T; older notation c.1208dupT).
Protein change: p.Arg404fs; shifts the reading frame from arginine 404.
Molecular consequence: frameshift variant.
Genome position (GRCh38, 1-based): chr19:46,756,658, T duplicated; the last of 5 consecutive T bases (chr19:46,756,654-46,756,658); duplicating any one gives the same sequence. VCF-style (leftmost placement, unchanged base first): chr19-46756653-C-CT. GRCh37 (hg19) VCF-style: chr19-47259910-C-CT.
Other names: c.1208dup, p.Arg404fs (NM_001039885.3); short protein forms R404fs.
Identifiers: ClinVar variation 2913953 (VCV002913953.5), dbSNP rs1555739119, ClinGen allele CA2576826109.